The following is an entry in ClinVar:

ClinVar aggregate classification (germline): Benign. Review status: criteria provided, multiple submitters, no conflicts (2 of 4 stars). 2 submissions from 2 submitters: Benign (2). Last evaluated 2016-03-29.

Allele frequency attached by ClinVar (database versions not stated): 1000 Genomes Project 0.01178; 1000 Genomes Project 30x 0.01234; TOPMed 0.02634; gnomAD 0.02727; ESP Exome Variant Server 0.02903; gnomAD exomes 0.02969; ExAC 0.04408.
gnomAD v4.1: 57,978 of 1,578,960 alleles (3.7%); highest among the groups gnomAD compares: Non-Finnish European, 4.3%; 1,187 homozygotes.

Submissions (2):

Laboratory for Molecular Medicine, Mass General Brigham Personalized Medicine
Classification: Benign. Last evaluated: 2016-03-29. Review status: criteria provided, single submitter. Criteria: LMM Criteria. Collection method: clinical testing. Allele origin: germline.
Comment: Variant identified in a genome or exome case(s) and assessed due to predicted null impact of the variant or pathogenic assertions in the literature or databases. Disclaimer: This variant has not undergone full assessment. The following are preliminary notes: Frequency

Breakthrough Genomics
Classification: Benign. Review status: criteria provided, single submitter. Criteria: ACMG Guidelines, 2015. Collection method: not provided. Allele origin: germline. Inheritance: Unknown mechanism. Affected: yes.

NM_004145.4(MYO9B):c.4363G>A (p.Gly1455Ser)

Gene: MYO9B (myosin IXB; plus strand). Cytogenetic location: 19p13.11.
Variant type: single nucleotide variant.
Coding change: c.4363G>A on transcript NM_004145.4 (MANE Select); coding-DNA position 4363, G replaced by A.
Protein change: p.Gly1455Ser; replaces glycine 1455 with serine.
Molecular consequence: missense variant.
Genome position (GRCh38, 1-based): chr19:17,200,417, G>A. VCF-style: chr19-17200417-G-A. GRCh37 (hg19) VCF-style: chr19-17311226-G-A.
Other names: c.4363G>A, p.Gly1455Ser (NM_001130065.2); short protein forms G1455S.
Identifiers: ClinVar variation 403217 (VCV000403217.5), dbSNP rs117099942, ClinGen allele CA9288140.